The following is an entry in ClinVar:

ClinVar aggregate classification (germline): Likely benign (1 of 4 stars; one submission).

Conditions:
Familial thoracic aortic aneurysm and aortic dissection (TAAD). Also called: Thoracic aortic aneurysms and dissections. Identifiers: Orphanet 91387, MedGen C4707243, MONDO:0019625.

Submission:

All of Us Research Program, National Institutes of Health
Classification: Likely benign for Familial thoracic aortic aneurysm and aortic dissection. Last evaluated: 2023-10-27. Review status: criteria provided, single submitter. Criteria: ACMG Guidelines, 2015. Collection method: clinical testing. Allele origin: germline. Inheritance: Autosomal dominant inheritance. Observed: 1 variant allele, 1 heterozygote.
Comment: This study involves interpretation of variants in research participants for the purpose of population health screening. Participant phenotype was not available at the time of variant classification. Additional details can be found in publication PMID: 35346344, PMCID: PMC8962531

NM_002474.3(MYH11):c.5466G>A (p.Lys1822=)

Genes: NDE1 (nudE neurodevelopment protein 1; plus strand), MYH11 (myosin heavy chain 11; minus strand). Cytogenetic location: 16p13.11.
Variant type: single nucleotide variant.
Coding change: c.5466G>A on transcript NM_002474.3 (MANE Select); coding-DNA position 5466, G replaced by A.
Protein change: p.Lys1822=; no amino-acid change (lysine 1822 retained).
Molecular consequence: synonymous variant. On other transcripts: intron variant (2).
Genome position (GRCh38, 1-based): chr16:15,717,178, C>T on the plus strand (G>A on the coding strand, the complement: MYH11 is on the minus strand). VCF-style: chr16-15717178-C-T. GRCh37 (hg19) VCF-style: chr16-15811035-C-T.
Other names: c.5487G>A, p.Lys1829= (NM_001040113.2, NM_001040114.2); c.5466G>A, p.Lys1822= (NM_022844.3); c.948-7013C>T (NM_001143979.2, NM_017668.3).
Identifiers: ClinVar variation 3074161 (VCV003074161.1), dbSNP rs2506082842, ClinGen allele CA494087630.
Genomic context (GRCh38, chr16:15,717,178, plus strand): 5'-TCGGAACTCCACACCCGCATACCTGGCCTCCTGCTCGACCTGCTCCTCCAGCTGTGCAAT[C>T]TTGGCCTCCAGCGCCGCGATGGTGGACTTGAACTTGGACTTGACGGCCCCCTCCATCTCG-3'
Protein context (NP_002465.1, residues 1812-1832): FKSTIAALEA[Lys1822=]IAQLEEQVEQ